The following is an entry in ClinVar:

ClinVar aggregate classification (germline): Uncertain significance. Review status: criteria provided, multiple submitters, no conflicts (2 of 4 stars). 4 submissions from 4 submitters: Uncertain significance (4). Last evaluated 2025-12-09.

Conditions:
Inborn genetic diseases. Identifiers: MedGen C0950123, MeSH D030342.

Allele frequency attached by ClinVar (database versions not stated): ExAC 0.00002; gnomAD exomes 0.00004; TOPMed 0.00005; gnomAD 0.00009.
gnomAD v4.1: 78 of 1,613,734 alleles (0.0048%); highest among the groups gnomAD compares: Non-Finnish European, 0.0063%; no homozygotes.

Submissions (4):

Ambry Genetics
Classification: Uncertain significance for Inborn genetic diseases. Last evaluated: 2025-12-09. Review status: criteria provided, single submitter. Criteria: Ambry Variant Classification Scheme 2023. Collection method: clinical testing. Allele origin: germline.

Blueprint Genetics
Classification: Uncertain significance. Last evaluated: 2024-06-19. Review status: criteria provided, single submitter. Criteria: ACMG Guidelines, 2015. Collection method: clinical testing. Allele origin: germline.

GeneDx
Classification: Uncertain significance. Last evaluated: 2023-06-12. Review status: criteria provided, single submitter. Criteria: GeneDx Variant Classification Process June 2021. Collection method: clinical testing. Allele origin: germline. Affected: yes.
Comment: Not observed at significant frequency in large population cohorts (gnomAD); In silico analysis supports that this missense variant has a deleterious effect on protein structure/function; Has not been previously published as pathogenic or benign to our knowledge

Labcorp Genetics (formerly Invitae), Labcorp
Classification: Uncertain significance. Last evaluated: 2022-10-15. Review status: criteria provided, single submitter. Criteria: Invitae Variant Classification Sherloc (09022015). Collection method: clinical testing. Allele origin: germline.
Comment: This sequence change replaces arginine, which is basic and polar, with histidine, which is basic and polar, at codon 334 of the ATP6V1B1 protein (p.Arg334His). The frequency data for this variant in the population databases is considered unreliable, as metrics indicate poor data quality at this position in the gnomAD database. This variant has not been reported in the literature in individuals affected with ATP6V1B1-related conditions. Algorithms developed to predict the effect of missense changes on protein structure and function (SIFT, PolyPhen-2, Align-GVGD) all suggest that this variant is likely to be disruptive. In summary, the available evidence is currently insufficient to determine the role of this variant in disease. Therefore, it has been classified as a Variant of Uncertain Significance.

NM_001692.4(ATP6V1B1):c.1001G>A (p.Arg334His)

Gene: ATP6V1B1 (ATPase H+ transporting V1 subunit B1; plus strand). Cytogenetic location: 2p13.3.
Variant type: single nucleotide variant.
Coding change: c.1001G>A on transcript NM_001692.4 (MANE Select); coding-DNA position 1001, G replaced by A.
Protein change: p.Arg334His; replaces arginine 334 with histidine.
Molecular consequence: missense variant.
Genome position (GRCh38, 1-based): chr2:70,963,253, G>A. VCF-style: chr2-70963253-G-A. GRCh37 (hg19) VCF-style: chr2-71190383-G-A.
Other names: c.1001G>A (NM_001692.3); short protein forms R334H.
Identifiers: ClinVar variation 2138956 (VCV002138956.6), dbSNP rs782674150, ClinGen allele CA1701218.